The following is an entry in ClinVar:

ClinVar aggregate classification (germline): Pathogenic (1 of 4 stars; one submission).

Submission:

Labcorp Genetics (formerly Invitae), Labcorp
Classification: Pathogenic. Last evaluated: 2024-12-10. Review status: criteria provided, single submitter. Criteria: Invitae Variant Classification Sherloc (09022015). Collection method: clinical testing. Allele origin: germline.
Comment: This sequence change affects a donor splice site in intron 20 of the ABCA4 gene. It is expected to disrupt RNA splicing. Variants that disrupt the donor or acceptor splice site typically lead to a loss of protein function (PMID: 16199547), and loss-of-function variants in ABCA4 are known to be pathogenic (PMID: 10958761, 24938718, 25312043, 26780318). This variant is not present in population databases (gnomAD no frequency). Disruption of this splice site has been observed in individuals with clinical features of ABCA4-related conditions (PMID: 23982839, 26957898). Algorithms developed to predict the effect of sequence changes on RNA splicing suggest that this variant may disrupt the consensus splice site. For these reasons, this variant has been classified as Pathogenic.

Literature cited by the submitters: PubMed 16199547; PubMed 10958761; PubMed 24938718; PubMed 25312043; PubMed 26780318; PubMed 23982839; PubMed 26957898.

NM_000350.3(ABCA4):c.3050+2T>C

Gene: ABCA4 (ATP binding cassette subfamily A member 4; minus strand). Cytogenetic location: 1p22.1.
Variant type: single nucleotide variant.
Coding change: c.3050+2T>C on transcript NM_000350.3 (MANE Select); the canonical splice donor site of the intron after coding-DNA position 3050, T replaced by C.
Molecular consequence: splice donor variant.
Genome position (GRCh38, 1-based): chr1:94,044,611, A>G on the plus strand (T>C on the coding strand, the complement: ABCA4 is on the minus strand). VCF-style: chr1-94044611-A-G. GRCh37 (hg19) VCF-style: chr1-94510167-A-G.
Other names: c.2828+2T>C (NM_001425324.1).
Identifiers: ClinVar variation 3726005 (VCV003726005.2).